The following is an entry in ClinVar:

ClinVar aggregate classification (germline): Uncertain significance (1 of 4 stars; one submission).

Allele frequency attached by ClinVar (database versions not stated): ExAC 0.00003; gnomAD exomes 0.00004; gnomAD 0.00005; TOPMed 0.00005; ESP Exome Variant Server 0.00015.
gnomAD v4.1: 67 of 1,613,684 alleles (0.0042%); highest among the groups gnomAD compares: African/African-American, 0.0067%; no homozygotes.

Submission:

Labcorp Genetics (formerly Invitae), Labcorp
Classification: Uncertain significance. Last evaluated: 2022-02-02. Review status: criteria provided, single submitter. Criteria: Invitae Variant Classification Sherloc (09022015). Collection method: clinical testing. Allele origin: germline.
Comment: This sequence change replaces arginine, which is basic and polar, with glutamine, which is neutral and polar, at codon 487 of the ERCC2 protein (p.Arg487Gln). This variant is present in population databases (rs150865508, gnomAD 0.01%). This variant has not been reported in the literature in individuals affected with ERCC2-related conditions. Algorithms developed to predict the effect of missense changes on protein structure and function are either unavailable or do not agree on the potential impact of this missense change (SIFT: "Deleterious"; PolyPhen-2: "Possibly Damaging"; Align-GVGD: "Class C0"). Algorithms developed to predict the effect of sequence changes on RNA splicing suggest that this variant may create or strengthen a splice site. In summary, the available evidence is currently insufficient to determine the role of this variant in disease. Therefore, it has been classified as a Variant of Uncertain Significance.

NM_000400.4(ERCC2):c.1460G>A (p.Arg487Gln)

Gene: ERCC2 (ERCC excision repair 2, TFIIH core complex helicase subunit; minus strand). Cytogenetic location: 19q13.32.
Variant type: single nucleotide variant.
Coding change: c.1460G>A on transcript NM_000400.4 (MANE Select); coding-DNA position 1460, G replaced by A.
Protein change: p.Arg487Gln; replaces arginine 487 with glutamine.
Molecular consequence: missense variant.
Genome position (GRCh38, 1-based): chr19:45,357,289, C>T on the plus strand (G>A on the coding strand, the complement: ERCC2 is on the minus strand). VCF-style: chr19-45357289-C-T. GRCh37 (hg19) VCF-style: chr19-45860547-C-T.
Other names: short protein forms R487Q.
Identifiers: ClinVar variation 2171299 (VCV002171299.1), dbSNP rs150865508, ClinGen allele CA9513286.